The following is an entry in ClinVar:

ClinVar aggregate classification (germline): Uncertain significance (1 of 4 stars; one submission).

Conditions:
Hereditary cancer-predisposing syndrome. Also called: Neoplastic Syndromes, Hereditary; Tumor predisposition; Hereditary neoplastic syndrome; Hereditary Cancer Syndrome. Identifiers: Orphanet 140162, MedGen C0027672, MeSH D009386, MONDO:0015356.
Cardiovascular phenotype. Identifiers: MedGen CN230736.

Submission:

Ambry Genetics
Classification: Uncertain significance for Cardiovascular phenotype; Hereditary cancer-predisposing syndrome. Last evaluated: 2024-09-11. Review status: criteria provided, single submitter. Criteria: Ambry Variant Classification Scheme 2023. Collection method: clinical testing. Allele origin: germline.
Comment: The p.T1983I variant (also known as c.5948C>T), located in coding exon 40 of the NF1 gene, results from a C to T substitution at nucleotide position 5948. The threonine at codon 1983 is replaced by isoleucine, an amino acid with similar properties. This amino acid position is highly conserved in available vertebrate species. In addition, this alteration is predicted to be deleterious by in silico analysis. Since supporting evidence is limited at this time, the clinical significance of this alteration remains unclear.

NM_001042492.3(NF1):c.6011C>T (p.Thr2004Ile)

Gene: NF1 (neurofibromin 1; plus strand). Cytogenetic location: 17q11.2.
Variant type: single nucleotide variant.
Coding change: c.6011C>T on transcript NM_001042492.3 (MANE Select); coding-DNA position 6011, C replaced by T.
Protein change: p.Thr2004Ile; replaces threonine 2004 with isoleucine.
Molecular consequence: missense variant.
Genome position (GRCh38, 1-based): chr17:31,336,337, C>T. VCF-style: chr17-31336337-C-T. GRCh37 (hg19) VCF-style: chr17-29663355-C-T.
Other names: c.5948C>T, p.Thr1983Ile (NM_000267.4); short protein forms T1983I, T2004I.
Identifiers: ClinVar variation 826073 (VCV000826073.5), dbSNP rs1597842207, ClinGen allele CA399011007.